The following is an entry in ClinVar:

NM_017654.4(SAMD9):c.347G>A (p.Gly116Asp)

Gene: SAMD9 (sterile alpha motif domain containing 9; minus strand). Cytogenetic location: 7q21.2.
Variant type: single nucleotide variant.
Coding change: c.347G>A on transcript NM_017654.4 (MANE Select); coding-DNA position 347, G replaced by A.
Protein change: p.Gly116Asp; replaces glycine 116 with aspartic acid.
Molecular consequence: missense variant.
Genome position (GRCh38, 1-based): chr7:93,105,751, C>T on the plus strand (G>A on the coding strand, the complement: SAMD9 is on the minus strand). VCF-style: chr7-93105751-C-T. GRCh37 (hg19) VCF-style: chr7-92735064-C-T.
Other names: c.347G>A, p.Gly116Asp (NM_001193307.2); c.347G>A (NM_017654.3); short protein forms G116D.
Identifiers: ClinVar variation 1983425 (VCV001983425.6), dbSNP rs370262863, ClinGen allele CA4343159.

ClinVar aggregate classification (germline): Conflicting classifications of pathogenicity. Review status: criteria provided, conflicting classifications (1 of 4 stars). 3 submissions from 3 submitters: Uncertain significance (2); Likely benign (1). Last evaluated 2025-12-17.

Conditions:
Inborn genetic diseases. Identifiers: MedGen C0950123, MeSH D030342.

Allele frequency attached by ClinVar (database versions not stated): gnomAD 0.00001; ExAC 0.00002; TOPMed 0.00002; gnomAD exomes 0.00003; ESP Exome Variant Server 0.00008.
gnomAD v4.1: 52 of 1,613,866 alleles (0.0032%); highest among the groups gnomAD compares: Non-Finnish European, 0.0042%; no homozygotes.

Submissions (3):

Labcorp Genetics (formerly Invitae), Labcorp
Classification: Uncertain significance. Last evaluated: 2025-12-17. Review status: criteria provided, single submitter. Criteria: Invitae Variant Classification Sherloc (09022015). Collection method: clinical testing. Allele origin: germline.
Comment: This sequence change replaces glycine, which is neutral and non-polar, with aspartic acid, which is acidic and polar, at codon 116 of the SAMD9 protein (p.Gly116Asp). This variant is present in population databases (rs370262863, gnomAD 0.004%). This variant has not been reported in the literature in individuals affected with SAMD9-related conditions. ClinVar contains an entry for this variant (Variation ID: 1983425). Invitae Evidence Modeling of protein sequence and biophysical properties (such as structural, functional, and spatial information, amino acid conservation, physicochemical variation, residue mobility, and thermodynamic stability) indicates that this missense variant is not expected to disrupt SAMD9 protein function with a negative predictive value of 95%. In summary, the available evidence is currently insufficient to determine the role of this variant in disease. Therefore, it has been classified as a Variant of Uncertain Significance.

Ambry Genetics
Classification: Likely benign for Inborn genetic diseases. Last evaluated: 2024-11-26. Review status: criteria provided, single submitter. Criteria: Ambry Variant Classification Scheme 2023. Collection method: clinical testing. Allele origin: germline.

GeneDx
Classification: Uncertain significance. Last evaluated: 2024-09-01. Review status: criteria provided, single submitter. Criteria: GeneDx Variant Classification Process June 2021. Collection method: clinical testing. Allele origin: germline. Affected: yes.
Comment: Not observed at significant frequency in large population cohorts (gnomAD); In silico analysis indicates that this missense variant does not alter protein structure/function; Has not been previously published as pathogenic or benign to our knowledge